The following is an entry in ClinVar:

NM_033238.3(PML):c.1710+1467G>A

Gene: PML (PML nuclear body scaffold; plus strand). Cytogenetic location: 15q24.1.
Variant type: single nucleotide variant.
Coding change: c.1710+1467G>A on transcript NM_033238.3 (MANE Select); 1467 bases into the intron after coding-DNA position 1710, G replaced by A.
Molecular consequence: intron variant. On other transcripts: 3 prime UTR variant (4).
Genome position (GRCh38, 1-based): chr15:74,035,997, G>A. VCF-style: chr15-74035997-G-A. GRCh37 (hg19) VCF-style: chr15-74328338-G-A.
Other names: c.*46G>A (NM_033239.3, NM_033242.2, NM_033250.3); c.*1341G>A (NM_033240.3); c.*861G>A (NM_033244.4); c.*1326G>A (NM_033245.2); c.1710+1467G>A (NM_002675.4); c.1566+1467G>A (NM_033249.3); c.*35+1467G>A (NM_033246.3); c.1255-10G>A (NM_033247.3).
Identifiers: ClinVar variation 3047942 (VCV003047942.2), dbSNP rs111658103, ClinGen allele CA7652921.

ClinVar aggregate classification (germline): Likely benign (0 of 4 stars; one submission).

Conditions:
PML-related disorder. Also called: PML-related condition.

Allele frequency attached by ClinVar (database versions not stated): ExAC 0.00008; gnomAD exomes 0.00009; gnomAD 0.00010; TOPMed 0.00010.

Submission:

PreventionGenetics, part of Exact Sciences
Classification: Likely benign for PML-related condition. Last evaluated: 2019-04-09. Review status: no assertion criteria provided. Collection method: clinical testing. Allele origin: germline.
Comment: This variant is classified as likely benign based on ACMG/AMP sequence variant interpretation guidelines (Richards et al. 2015 PMID: 25741868, with internal and published modifications).